The following is an entry in ClinVar:

NM_024422.6(DSC2):c.230G>T (p.Gly77Val)

Gene: DSC2 (desmocollin 2; minus strand). Cytogenetic location: 18q12.1.
Variant type: single nucleotide variant.
Coding change: c.230G>T on transcript NM_024422.6 (MANE Select); coding-DNA position 230, G replaced by T.
Protein change: p.Gly77Val; replaces glycine 77 with valine.
Molecular consequence: missense variant.
Genome position (GRCh38, 1-based): chr18:31,092,225, C>A on the plus strand (G>T on the coding strand, the complement: DSC2 is on the minus strand). VCF-style: chr18-31092225-C-A. GRCh37 (hg19) VCF-style: chr18-28672188-C-A.
Other names: c.230G>T, p.Gly77Val (NM_004949.5); short protein forms G77V.
Identifiers: ClinVar variation 918362 (VCV000918362.10), dbSNP rs761544006, ClinGen allele CA036157.

ClinVar aggregate classification (germline): Uncertain significance. Review status: criteria provided, multiple submitters, no conflicts (2 of 4 stars). 4 submissions from 4 submitters: Uncertain significance (4). Last evaluated 2026-03-07.

Conditions:
Familial isolated arrhythmogenic right ventricular dysplasia. Identifiers: Orphanet 217656, MedGen C4274968, MONDO:0016342.
Arrhythmogenic right ventricular dysplasia 11. Also called: ARRHYTHMOGENIC RIGHT VENTRICULAR DYSPLASIA, FAMILIAL, 11; Arrhythmogenic Right Ventricular Dysplasia/Cardiomyopathy11; Arrhythmogenic right ventricular dysplasia 11 with mild palmoplantar keratoderma and woolly hair. Identifiers: MedGen C1864850, MONDO:0012506, OMIM 610476.
Cardiomyopathy (CMYO). Also called: Cardiomyopathies. Identifiers: Orphanet 167848, MedGen C0878544, MONDO:0004994, HP:0001638. Inheritance: Various modes of inheritance.

Allele frequency attached by ClinVar (database versions not stated): gnomAD exomes below 0.00001 and 0.00001; ExAC 0.00001.

Submissions (4):

GeneDx
Classification: Uncertain significance. Last evaluated: 2026-03-07. Review status: criteria provided, single submitter. Criteria: GeneDx Variant Classification Process June 2021. Collection method: clinical testing. Allele origin: germline.
Comment: Not observed at significant frequency in large population cohorts (gnomAD); In silico analysis supports that this missense variant has a deleterious effect on protein structure/function; Has not been previously published as pathogenic or benign to our knowledge; This variant is associated with the following publications: (PMID: 37273868)

All of Us Research Program, National Institutes of Health
Classification: Uncertain significance for Familial isolated arrhythmogenic right ventricular dysplasia. Last evaluated: 2023-05-16. Review status: criteria provided, single submitter. Criteria: ACMG Guidelines, 2015. Collection method: clinical testing. Allele origin: germline. Inheritance: Autosomal dominant inheritance. Observed: 1 variant allele, 1 heterozygote.
Comment: Variant of Uncertain Significance due to insufficient evidence: This missense variant is located in the propeptide sequence of the DSC2 protein. Computational prediction tools and conservation analyses suggest that this variant may have deleterious impact on the protein function. Computational splicing tools suggest that this variant may not impact RNA splicing. To our knowledge, functional assays have not been performed for this variant nor has this variant been reported in individuals affected with cardiovascular disorders in the literature. This variant has been identified in 2/245738 chromosomes in the general population by the Genome Aggregation Database (gnomAD). Available evidence is insufficient to determine the pathogenicity of this variant conclusively.

This study involves interpretation of variants in research participants for the purpose of population health screening. Participant phenotype was not available at the time of variant classification. Additional details can be found in publication PMID: 35346344, PMCID: PMC8962531

Color Diagnostics, LLC DBA Color Health
Classification: Uncertain significance for Cardiomyopathy. Last evaluated: 2023-04-25. Review status: criteria provided, single submitter. Criteria: ACMG Guidelines, 2015. Collection method: clinical testing. Allele origin: germline.
Comment: This missense variant replaces glycine with valine at codon 77 of the DSC2 protein. Computational prediction suggests that this variant may have deleterious impact on protein structure and function (internally defined REVEL score threshold >= 0.7, PMID: 27666373). To our knowledge, functional studies have not been reported for this variant. This variant has not been reported in individuals affected with DSC2-related disorders in the literature. This variant has been identified in 1/250974 chromosomes in the general population by the Genome Aggregation Database (gnomAD). The available evidence is insufficient to determine the role of this variant in disease conclusively. Therefore, this variant is classified as a Variant of Uncertain Significance.

Labcorp Genetics (formerly Invitae), Labcorp
Classification: Uncertain significance for Arrhythmogenic right ventricular dysplasia 11. Last evaluated: 2022-12-01. Review status: criteria provided, single submitter. Criteria: Invitae Variant Classification Sherloc (09022015). Collection method: clinical testing. Allele origin: germline.
Comment: In summary, the available evidence is currently insufficient to determine the role of this variant in disease. Therefore, it has been classified as a Variant of Uncertain Significance. Advanced modeling of protein sequence and biophysical properties (such as structural, functional, and spatial information, amino acid conservation, physicochemical variation, residue mobility, and thermodynamic stability) performed at Invitae indicates that this missense variant is expected to disrupt DSC2 protein function. ClinVar contains an entry for this variant (Variation ID: 918362). This variant has not been reported in the literature in individuals affected with DSC2-related conditions. This variant is present in population databases (rs761544006, gnomAD 0.002%). This sequence change replaces glycine, which is neutral and non-polar, with valine, which is neutral and non-polar, at codon 77 of the DSC2 protein (p.Gly77Val).